The following is an entry in ClinVar:

ClinVar aggregate classification (germline): Pathogenic (1 of 4 stars; one submission).

Conditions:
X-linked severe combined immunodeficiency (SCIDX1). Also called: IMMUNODEFICIENCY 4; SCID, X-LINKED; SEVERE COMBINED IMMUNODEFICIENCY, X-LINKED, T CELL-NEGATIVE, B CELL-POSITIVE, NK CELL-NEGATIVE; X-Linked Combined Immunodeficiency Diseases; T-B+ severe combined immunodeficiency due to gamma chain deficiency. Identifiers: Orphanet 276, MedGen C6022468, MONDO:0010315, OMIM 300400. Disease mechanism: loss of function.

Submission:

Rady Children's Institute for Genomic Medicine, Rady Children's Hospital San Diego
Classification: Pathogenic for Severe combined immunodeficiency, X-linked. Last evaluated: 2025-09-10. Review status: criteria provided, single submitter. Criteria: ACMG Guidelines, 2015. Collection method: clinical testing. Allele origin: germline. Affected: yes.
Comment: The c.115G>C variant affects the last nucleotide of exon 1 of the IL2RG gene and multiple splice prediction tools suggest it is likely to interfere with normal splicing. This variant has been previously reported as a hemizygous change in patients with typical severe combined immunodeficiency (SCID) (PMID: 33040328, 35482138, 33959125). Analysis of cDNA from patient-derived cell lines has demonstrated that this variant disrupts the normal splice donor site and results in utilization of a cryptic donor site in intron 1, causing a frameshift and premature stop codon (PMID: 33959125). Loss-of-function variation in IL2RG is an established mechanism of disease (PMID: 20301584). A different change at this same nucleotide (c.115G>A) has been reported in individuals with atypical SCID (PMID: 7937790, 34248995). The c.115G>A variant is predicted by multiple splice prediction tools to have a slightly weaker impact on splicing than the c.115G>C variant, but in at least one patient the variant was shown by cDNA studies to interfere with normal splicing (PMID: 7937790). Variants that impact the adjacent canonical splice site (c.115+1G>A, c.115+1G>C, c.115+2T>C) have also been reported in patients with SCID (PMID: 35874699, 9058718, 9633906). The c.115G>C (p.Asp39His) variant is absent from the latest version of the gnomAD population database and thus is presumed to be rare. Based on the available evidence, c.115G>C (p.Asp39His) is classified as Pathogenic.

Literature cited by the submitters: PubMed 7937790; PubMed 9058718; PubMed 9633906; PubMed 33040328; PubMed 33959125; PubMed 34248995; PubMed 35482138; PubMed 35874699.

NM_000206.3(IL2RG):c.115G>C (p.Asp39His)

Genes: IL2RG (interleukin 2 receptor subunit gamma; minus strand), LOC126863274 (MED14-independent group 3 enhancer GRCh37_chrX:70330888-70332087; plus strand). Cytogenetic location: Xq13.1.
Variant type: single nucleotide variant.
Coding change: c.115G>C on transcript NM_000206.3 (MANE Select); coding-DNA position 115, G replaced by C.
Protein change: p.Asp39His; replaces aspartic acid 39 with histidine.
Molecular consequence: missense variant.
Genome position (GRCh38, 1-based): chrX:71,111,425, C>G on the plus strand (G>C on the coding strand, the complement: IL2RG is on the minus strand). VCF-style: chrX-71111425-C-G. GRCh37 (hg19) VCF-style: chrX-70331275-C-G.
Other names: c.115G>C, p.Asp39His (NM_001438870.1); short protein forms D39H.
Identifiers: ClinVar variation 4814230 (VCV004814230.1).